The following is an entry in ClinVar:

ClinVar aggregate classification (germline): Uncertain significance (1 of 4 stars; one submission).

Conditions:
Familial thoracic aortic aneurysm and aortic dissection (TAAD). Also called: Thoracic aortic aneurysms and dissections. Identifiers: Orphanet 91387, MedGen C4707243, MONDO:0019625.

gnomAD v4.1: 2 of 1,208,732 alleles (0.00017%); highest among the groups gnomAD compares: African/African-American, 0.0035%; no homozygotes.

Submission:

Ambry Genetics
Classification: Uncertain significance for Familial thoracic aortic aneurysm and aortic dissection. Last evaluated: 2024-09-20. Review status: criteria provided, single submitter. Criteria: Ambry Variant Classification Scheme 2023. Collection method: clinical testing. Allele origin: germline.
Comment: The p.V706F variant (also known as c.2116G>T), located in coding exon 15 of the MED12 gene, results from a G to T substitution at nucleotide position 2116. The valine at codon 706 is replaced by phenylalanine, an amino acid with highly similar properties. This amino acid position is conserved. In addition, this alteration is predicted to be tolerated by in silico analysis. Based on the available evidence, the clinical significance of this variant remains unclear.

NM_005120.3(MED12):c.2116G>T (p.Val706Phe)

Gene: MED12 (mediator complex subunit 12; plus strand). Cytogenetic location: Xq13.1.
Variant type: single nucleotide variant.
Coding change: c.2116G>T on transcript NM_005120.3 (MANE Select); coding-DNA position 2116, G replaced by T.
Protein change: p.Val706Phe; replaces valine 706 with phenylalanine.
Molecular consequence: missense variant.
Genome position (GRCh38, 1-based): chrX:71,125,036, G>T. VCF-style: chrX-71125036-G-T. GRCh37 (hg19) VCF-style: chrX-70344886-G-T.
Other names: short protein forms V706F.
Identifiers: ClinVar variation 3394454 (VCV003394454.1).
Genomic context (GRCh38, chrX:71,125,036, plus strand): 5'-TTGTTCTCCCCTACTATGCCCTGTGAGGGGAAGGGCAGTCCATCCCCTGAGAAGCCAGAT[G>T]TCGAGAAGGAGGTGAAGCCCCCACCCAAGGAGAAGATTGAAGGGACCCTTGGGGTTCTTT-3'
Protein context (NP_005111.2, residues 696-716): KGSPSPEKPD[Val706Phe]EKEVKPPPKE